The following is an entry in ClinVar:

NC_012920.1:m.8800T>C

Gene: MT-ATP6 (mitochondrially encoded ATP synthase 6; plus strand).
Variant type: single nucleotide variant.
Genome position: chrM-8800-T-C.
Identifiers: ClinVar variation 618719 (VCV000618719.8), dbSNP rs1569484239, ClinGen allele CA414798157.

ClinVar aggregate classification (germline): Uncertain significance (1 of 4 stars; one submission).

Submission:

ARUP Laboratories, Molecular Genetics and Genomics, ARUP Laboratories
Classification: Uncertain significance. Last evaluated: 2018-05-26. Review status: criteria provided, single submitter. Criteria: ARUP Molecular Germline Variant Investigation Process. Collection method: clinical testing. Allele origin: germline.
Comment: The m.8800T>C variant affects the mitochondrially-encoded MT-ATP6. This variant has not been reported in the medical literature in association with disease and is absent from the MITOMAP database. Therefore, due to limited information, the clinical significance of the m.8800T>C variant is uncertain at this time.